The following is an entry in ClinVar:

NM_001927.4(DES):c.210G>C (p.Arg70=)

Gene: DES (desmin; plus strand). Cytogenetic location: 2q35.
Variant type: single nucleotide variant.
Coding change: c.210G>C on transcript NM_001927.4 (MANE Select); coding-DNA position 210, G replaced by C.
Protein change: p.Arg70=; no amino-acid change (arginine 70 retained).
Molecular consequence: synonymous variant.
Genome position (GRCh38, 1-based): chr2:219,418,672, G>C. VCF-style: chr2-219418672-G-C. GRCh37 (hg19) VCF-style: chr2-220283394-G-C.
Other names: c.210G>C (LRG_380t1).
Identifiers: ClinVar variation 282225 (VCV000282225.14), dbSNP rs761255472, ClinGen allele CA10604110.

ClinVar aggregate classification (germline): Conflicting classifications of pathogenicity. Review status: criteria provided, conflicting classifications (1 of 4 stars). 3 submissions from 3 submitters: Uncertain significance (1); Likely benign (2). Last evaluated 2025-12-08.

Conditions:
Desmin-related myofibrillar myopathy (MFM1). Also called: MYOFIBRILLAR MYOPATHY WITH ARRHYTHMOGENIC RIGHT VENTRICULAR CARDIOMYOPATHY; DESMIN-RELATED MYOPATHY WITH ARRHYTHMOGENIC RIGHT VENTRICULAR CARDIOMYOPATHY; Desminopathy; Desmin related myopathy (former name); Desmin storage myopathy (former name); Myofibrillar myopathy 1. Identifiers: Orphanet 363543, Orphanet 98909, MedGen C1832370, MONDO:0011076, OMIM 601419.

Allele frequency attached by ClinVar (database versions not stated): TOPMed below 0.00001; gnomAD exomes 0.00001.
gnomAD v4.1: 8 of 1,580,468 alleles (0.00051%); highest among the groups gnomAD compares: Non-Finnish European, 0.00069%; no homozygotes.

Submissions (3):

Labcorp Genetics (formerly Invitae), Labcorp
Classification: Likely benign for Desmin-related myofibrillar myopathy. Last evaluated: 2025-12-08. Review status: criteria provided, single submitter. Criteria: Invitae Variant Classification Sherloc (09022015). Collection method: clinical testing. Allele origin: germline.

GeneDx
Classification: Likely benign. Last evaluated: 2016-10-11. Review status: criteria provided, single submitter. Criteria: GeneDx Variant Classification (06012015). Collection method: clinical testing. Allele origin: germline. Affected: yes.
Comment: This variant is considered likely benign or benign based on one or more of the following criteria: it is a conservative change, it occurs at a poorly conserved position in the protein, it is predicted to be benign by multiple in silico algorithms, and/or has population frequency not consistent with disease.

Eurofins Ntd Llc (ga)
Classification: Uncertain significance. Last evaluated: 2015-08-27. Review status: criteria provided, single submitter. Criteria: EGL Classification Definitions 2015. Collection method: clinical testing. Allele origin: germline. Observed: 1 variant allele, 1 heterozygote.